The following is an entry in ClinVar:

ClinVar aggregate classification (germline): Likely pathogenic (1 of 4 stars; one submission).

Conditions:
Retinitis pigmentosa 25 (RP25). Identifiers: Orphanet 791, MedGen C1864446, MONDO:0011272, OMIM 602772.

Submission:

Natera, Inc.
Classification: Likely pathogenic for Retinitis pigmentosa type 25. Last evaluated: 2025-10-26. Review status: criteria provided, single submitter. Criteria: Natera Variant Classification Schema (03/2026). Collection method: clinical testing. Allele origin: germline.
Comment: The c.3244-1G>A variant in EYS is a canonical splice acceptor site variant predicted to affect pre-mRNA splicing, which may result in an abnormal transcript and altered protein product. This variant is expected to result in nonsense mediated decay, truncation, or a dysfunctional protein product. This variant is rare in the general population with a frequency below the threshold expected for the associated phenotype(s). Given the available evidence, this variant is classified as Likely Pathogenic.

NM_001142800.2(EYS):c.3244-1G>A

Gene: EYS (EGF-like photoreceptor maintenance factor; minus strand). Cytogenetic location: 6q12.
Variant type: single nucleotide variant.
Coding change: c.3244-1G>A on transcript NM_001142800.2 (MANE Select); the canonical splice acceptor site of the intron before coding-DNA position 3244, G replaced by A.
Molecular consequence: splice acceptor variant.
Genome position (GRCh38, 1-based): chr6:64,813,578, C>T on the plus strand (G>A on the coding strand, the complement: EYS is on the minus strand). VCF-style: chr6-64813578-C-T. GRCh37 (hg19) VCF-style: chr6-65523471-C-T.
Other names: c.3244-1G>A (NM_001292009.2).
Identifiers: ClinVar variation 4814628 (VCV004814628.1).